The following is an entry in ClinVar:

ClinVar aggregate classification (germline): Uncertain significance (1 of 4 stars; one submission).

Submission:

Labcorp Genetics (formerly Invitae), Labcorp
Classification: Uncertain significance. Last evaluated: 2025-11-25. Review status: criteria provided, single submitter. Criteria: Invitae Variant Classification Sherloc (09022015). Collection method: clinical testing. Allele origin: germline.
Comment: This sequence change replaces glutamine, which is neutral and polar, with proline, which is neutral and non-polar, at codon 482 of the MYO6 protein (p.Gln482Pro). This variant is not present in population databases (gnomAD no frequency). This variant has not been reported in the literature in individuals affected with MYO6-related conditions. Invitae Evidence Modeling of protein sequence and biophysical properties (such as structural, functional, and spatial information, amino acid conservation, physicochemical variation, residue mobility, and thermodynamic stability) indicates that this missense variant is expected to disrupt MYO6 protein function with a positive predictive value of 80%. In summary, the available evidence is currently insufficient to determine the role of this variant in disease. Therefore, it has been classified as a Variant of Uncertain Significance.

NM_004999.4(MYO6):c.1445A>C (p.Gln482Pro)

Gene: MYO6 (myosin VI; plus strand). Cytogenetic location: 6q14.1.
Variant type: single nucleotide variant.
Coding change: c.1445A>C on transcript NM_004999.4 (MANE Select); coding-DNA position 1445, A replaced by C.
Protein change: p.Gln482Pro; replaces glutamine 482 with proline.
Molecular consequence: missense variant. On other transcripts: non-coding transcript variant (1).
Genome position (GRCh38, 1-based): chr6:75,858,965, A>C. VCF-style: chr6-75858965-A-C. GRCh37 (hg19) VCF-style: chr6-76568682-A-C.
Other names: c.1445A>C, p.Gln482Pro (NM_001300899.2, NM_001368136.1, NM_001368137.1 and 2 more transcripts); c.1430A>C, p.Gln477Pro (NM_001368138.1); short protein forms Q482P, Q477P.
Identifiers: ClinVar variation 4737262 (VCV004737262.1).